The following is an entry in ClinVar:

ClinVar aggregate classification (germline): Likely benign. Review status: criteria provided, multiple submitters, no conflicts (2 of 4 stars). 3 submissions from 3 submitters: Likely benign (3). Last evaluated 2025-04-29.

Conditions:
RYR1-related disorder. Also called: RYR1-related condition; RYR1-related disorders. Identifiers: MedGen CN239331.
Malignant hyperthermia, susceptibility to, 1 (MHS1). Also called: Anesthesia related hyperthermia; Malignant hyperpyrexia; Fulminating hyperpyrexia; Pharmacogenic myopathy; Malignant hyperthermia suceptibility 1; RYR1-Related Malignant Hyperthermia Susceptibility. Identifiers: Orphanet 423, MedGen C2930980, MONDO:0007783, OMIM 145600.

Allele frequency attached by ClinVar (database versions not stated): gnomAD exomes below 0.00001; ExAC 0.00001; TOPMed 0.00001; gnomAD 0.00002.
gnomAD v4.1: 4 of 1,614,070 alleles (0.00025%); highest among the groups gnomAD compares: African/African-American, 0.0027%; no homozygotes.

Submissions (3):

Labcorp Genetics (formerly Invitae), Labcorp
Classification: Likely benign for RYR1-related disorder. Last evaluated: 2025-04-29. Review status: criteria provided, single submitter. Criteria: Invitae Variant Classification Sherloc (09022015). Collection method: clinical testing. Allele origin: germline.

All of Us Research Program, National Institutes of Health
Classification: Likely benign for Malignant hyperthermia, susceptibility to, 1. Last evaluated: 2023-12-01. Review status: criteria provided, single submitter. Criteria: ACMG Guidelines, 2015. Collection method: clinical testing. Allele origin: germline. Inheritance: Autosomal dominant inheritance. Observed: 5 variant alleles, 5 heterozygotes.
Comment: This study involves interpretation of variants in research participants for the purpose of population health screening. Participant phenotype was not available at the time of variant classification. Additional details can be found in publication PMID: 35346344, PMCID: PMC8962531

Color Diagnostics, LLC DBA Color Health
Classification: Likely benign for Malignant hyperthermia, susceptibility to, 1. Last evaluated: 2022-11-06. Review status: criteria provided, single submitter. Criteria: ACMG Guidelines, 2015. Collection method: clinical testing. Allele origin: germline.

NM_000540.3(RYR1):c.3531C>T (p.Ala1177=)

Gene: RYR1 (ryanodine receptor 1; plus strand). Cytogenetic location: 19q13.2.
Variant type: single nucleotide variant.
Coding change: c.3531C>T on transcript NM_000540.3 (MANE Select); coding-DNA position 3531, C replaced by T.
Protein change: p.Ala1177=; no amino-acid change (alanine 1177 retained).
Molecular consequence: synonymous variant.
Genome position (GRCh38, 1-based): chr19:38,469,115, C>T. VCF-style: chr19-38469115-C-T. GRCh37 (hg19) VCF-style: chr19-38959755-C-T.
Other names: c.3531C>T, p.Ala1177= (NM_001042723.2).
Identifiers: ClinVar variation 698962 (VCV000698962.12), dbSNP rs762703365, ClinGen allele CA064964.